The following is an entry in ClinVar:

ClinVar aggregate classification (germline): Uncertain significance (1 of 4 stars; one submission).

Conditions:
Cortical dysplasia-focal epilepsy syndrome (PTHSL1). Also called: Pitt-Hopkins-like syndrome 1. Identifiers: Orphanet 163681, Orphanet 221150, MedGen C2750246, MONDO:0012400, OMIM 610042.

Allele frequency attached by ClinVar (database versions not stated): gnomAD 0.00001.
gnomAD v4.1: 2 of 1,613,908 alleles (0.00012%); highest among the groups gnomAD compares: Admixed American, 0.0017%; no homozygotes.

Submission:

Labcorp Genetics (formerly Invitae), Labcorp
Classification: Uncertain significance for Cortical dysplasia-focal epilepsy syndrome. Last evaluated: 2022-03-29. Review status: criteria provided, single submitter. Criteria: Invitae Variant Classification Sherloc (09022015). Collection method: clinical testing. Allele origin: germline.
Comment: This variant has not been reported in the literature in individuals affected with CNTNAP2-related conditions. In summary, the available evidence is currently insufficient to determine the role of this variant in disease. Therefore, it has been classified as a Variant of Uncertain Significance. Algorithms developed to predict the effect of missense changes on protein structure and function (SIFT, PolyPhen-2, Align-GVGD) all suggest that this variant is likely to be disruptive. This variant is present in population databases (no rsID available, gnomAD 0.003%). This sequence change replaces cysteine, which is neutral and slightly polar, with arginine, which is basic and polar, at codon 736 of the CNTNAP2 protein (p.Cys736Arg).

NM_014141.6(CNTNAP2):c.2206T>C (p.Cys736Arg)

Gene: CNTNAP2 (contactin associated protein 2; plus strand). Cytogenetic location: 7q35.
Variant type: single nucleotide variant.
Coding change: c.2206T>C on transcript NM_014141.6 (MANE Select); coding-DNA position 2206, T replaced by C.
Protein change: p.Cys736Arg; replaces cysteine 736 with arginine.
Molecular consequence: missense variant.
Genome position (GRCh38, 1-based): chr7:147,903,672, T>C. VCF-style: chr7-147903672-T-C. GRCh37 (hg19) VCF-style: chr7-147600764-T-C.
Other names: short protein forms C736R.
Identifiers: ClinVar variation 1944735 (VCV001944735.3), dbSNP rs1478186825, ClinGen allele CA369927025.
Genomic context (GRCh38, chr7:147,903,672, plus strand): 5'-TACTACTGGGGAGGCTCTGGGCCTGGAATCCAGAAATGTGCCTGCGGCATCGAACGCAAC[T>C]GCACAGATCCCAAGTACTACTGTAACTGCGACGCGGACTACAAGCAATGGTGAGTGCCTG-3'
Protein context (NP_054860.1, residues 726-746): QKCACGIERN[Cys736Arg]TDPKYYCNCD